The following is an entry in ClinVar:

ClinVar aggregate classification (germline): Uncertain significance. Review status: criteria provided, single submitter (1 of 4 stars). 2 submissions from 2 submitters: Uncertain significance (1). 1 of the submissions does not count toward it. Last evaluated 2022-03-12.

Conditions:
Senior-Loken syndrome 8 (SLSN8). Identifiers: Orphanet 3156, MedGen C4225376, MONDO:0014579, OMIM 616307.
Asphyxiating thoracic dystrophy 5 (SRTD5). Also called: SHORT-RIB THORACIC DYSPLASIA 5 WITH OR WITHOUT POLYDACTYLY; SHORT-RIB THORACIC DYSPLASIA 5 WITHOUT POLYDACTYLY. Identifiers: Orphanet 474, MedGen C3280598, MONDO:0013717, OMIM 614376.
WDR19-related disorder. Also called: WDR19-related condition; WDR19-related disorders. Identifiers: MedGen CN380161.

Allele frequency attached by ClinVar (database versions not stated): gnomAD exomes 0.00006 and 0.00002; ExAC 0.00008.
gnomAD v4.1: 22 of 1,589,708 alleles (0.0014%); highest among the groups gnomAD compares: South Asian, 0.024%; no homozygotes.

Submissions (2):

Labcorp Genetics (formerly Invitae), Labcorp
Classification: Uncertain significance for Senior-Loken syndrome 8; Asphyxiating thoracic dystrophy 5. Last evaluated: 2022-03-12. Review status: criteria provided, single submitter. Criteria: Invitae Variant Classification Sherloc (09022015). Collection method: clinical testing. Allele origin: germline.
Comment: In summary, the available evidence is currently insufficient to determine the role of this variant in disease. Therefore, it has been classified as a Variant of Uncertain Significance. Algorithms developed to predict the effect of missense changes on protein structure and function are either unavailable or do not agree on the potential impact of this missense change (SIFT: "Tolerated"; PolyPhen-2: "Possibly Damaging"; Align-GVGD: "Class C0"). ClinVar contains an entry for this variant (Variation ID: 1053374). This variant has not been reported in the literature in individuals affected with WDR19-related conditions. This variant is present in population databases (rs756862143, gnomAD 0.05%). This sequence change replaces alanine, which is neutral and non-polar, with threonine, which is neutral and polar, at codon 1054 of the WDR19 protein (p.Ala1054Thr).

PreventionGenetics, part of Exact Sciences
Classification: Uncertain significance for WDR19-related condition. Last evaluated: 2024-07-29. Review status: no assertion criteria provided. Collection method: clinical testing. Allele origin: germline. Not counted in ClinVar's aggregate classification.
Comment: The WDR19 c.3160G>A variant is predicted to result in the amino acid substitution p.Ala1054Thr. To our knowledge, this variant has not been reported in the literature. This variant is reported in 0.046% of alleles in individuals of South Asian descent in gnomAD. At this time, the clinical significance of this variant is uncertain due to the absence of conclusive functional and genetic evidence.

NM_025132.4(WDR19):c.3160G>A (p.Ala1054Thr)

Gene: WDR19 (WD repeat domain 19; plus strand). Cytogenetic location: 4p14.
Variant type: single nucleotide variant.
Coding change: c.3160G>A on transcript NM_025132.4 (MANE Select); coding-DNA position 3160, G replaced by A.
Protein change: p.Ala1054Thr; replaces alanine 1054 with threonine.
Molecular consequence: missense variant.
Genome position (GRCh38, 1-based): chr4:39,257,531, G>A. VCF-style: chr4-39257531-G-A. GRCh37 (hg19) VCF-style: chr4-39259151-G-A.
Other names: c.3160G>A (NM_025132.3); c.2680G>A, p.Ala894Thr (NM_001317924.2); short protein forms A1054T, A894T.
Identifiers: ClinVar variation 1053374 (VCV001053374.10), dbSNP rs756862143, ClinGen allele CA2892279.